The following is an entry in ClinVar:

ClinVar aggregate classification (germline): Uncertain significance (1 of 4 stars; one submission).

Submission:

GeneDx
Classification: Uncertain significance. Last evaluated: 2026-03-30. Review status: criteria provided, single submitter. Criteria: GeneDx Variant Classification Process June 2021. Collection method: clinical testing. Allele origin: germline.
Comment: Not observed at significant frequency in large population cohorts (gnomAD); In silico analysis supports that this missense variant has a deleterious effect on protein structure/function; Has not been previously published as pathogenic or benign to our knowledge

NM_001961.4(EEF2):c.320G>A (p.Gly107Glu)

Gene: EEF2 (eukaryotic translation elongation factor 2; minus strand). Cytogenetic location: 19p13.3.
Variant type: single nucleotide variant.
Coding change: c.320G>A on transcript NM_001961.4 (MANE Select); coding-DNA position 320, G replaced by A.
Protein change: p.Gly107Glu; replaces glycine 107 with glutamic acid.
Molecular consequence: missense variant.
Genome position (GRCh38, 1-based): chr19:3,983,190, C>T on the plus strand (G>A on the coding strand, the complement: EEF2 is on the minus strand). VCF-style: chr19-3983190-C-T. GRCh37 (hg19) VCF-style: chr19-3983188-C-T.
Other names: short protein forms G107E.
Identifiers: ClinVar variation 5017496 (VCV005017496.1).
Genomic context (GRCh38, chr19:3,983,190, plus strand): 5'-ACCAATGCGCCATCGGTGACTCGGAGGGCAGCAGTCACCTCCGAGGAGAAGTCGACATGC[C>T]CGGGGGAGTCAATGAGGTTGATGAGGAAGCCGGCACCGTCCTTGCTCTGCTTGATGAAGT-3'
Protein context (NP_001952.1, residues 97-117): GFLINLIDSP[Gly107Glu]HVDFSSEVTA